The following is an entry in ClinVar:

NM_001466.4(FZD2):c.43C>T (p.Leu15=)

Gene: FZD2 (frizzled class receptor 2; plus strand). Cytogenetic location: 17q21.31.
Variant type: single nucleotide variant.
Coding change: c.43C>T on transcript NM_001466.4 (MANE Select); coding-DNA position 43, C replaced by T.
Protein change: p.Leu15=; no amino-acid change (leucine 15 retained).
Molecular consequence: synonymous variant.
Genome position (GRCh38, 1-based): chr17:44,557,731, C>T. VCF-style: chr17-44557731-C-T. GRCh37 (hg19) VCF-style: chr17-42635099-C-T.
Identifiers: ClinVar variation 4779275 (VCV004779275.1).
Genomic context (GRCh38, chr17:44,557,731, plus strand): 5'-TGGGGGGCGGCGGCCAGCATGCGGCCCCGCAGCGCCCTGCCCCGCCTGCTGCTGCCGCTG[C>T]TGCTGCTGCCCGCCGCCGGGCCGGCCCAGTTCCACGGGGAGAAGGGCATCTCCATCCCGG-3'
Protein context (NP_001457.1, residues 5-25): SALPRLLLPL[Leu15=]LLPAAGPAQF

ClinVar aggregate classification (germline): Uncertain significance (1 of 4 stars; one submission).

Submission:

Labcorp Genetics (formerly Invitae), Labcorp
Classification: Uncertain significance. Last evaluated: 2025-07-02. Review status: criteria provided, single submitter. Criteria: Invitae Variant Classification Sherloc (09022015). Collection method: clinical testing. Allele origin: germline.
Comment: This sequence change affects codon 15 of the FZD2 mRNA. It is a 'silent' change, meaning that it does not change the encoded amino acid sequence of the FZD2 protein. This variant is present in population databases (rs765520885, gnomAD 0.007%). This variant has not been reported in the literature in individuals affected with FZD2-related conditions. In summary, the available evidence is currently insufficient to determine the role of this variant in disease. Therefore, it has been classified as a Variant of Uncertain Significance.